The following is an entry in ClinVar:

ClinVar aggregate classification (germline): Uncertain significance (1 of 4 stars; one submission).

Submission:

GeneDx
Classification: Uncertain significance. Last evaluated: 2026-02-13. Review status: criteria provided, single submitter. Criteria: GeneDx Variant Classification Process June 2021. Collection method: clinical testing. Allele origin: germline.
Comment: Not observed at significant frequency in large population cohorts (gnomAD); In silico analysis supports that this missense variant has a deleterious effect on protein structure/function; Has not been previously published as pathogenic or benign to our knowledge

NM_001127222.2(CACNA1A):c.452A>C (p.Lys151Thr)

Gene: CACNA1A (calcium voltage-gated channel subunit alpha1 A; minus strand). Cytogenetic location: 19p13.13.
Variant type: single nucleotide variant.
Coding change: c.452A>C on transcript NM_001127222.2 (MANE Select); coding-DNA position 452, A replaced by C.
Protein change: p.Lys151Thr; replaces lysine 151 with threonine.
Molecular consequence: missense variant.
Genome position (GRCh38, 1-based): chr19:13,452,963, T>G on the plus strand (A>C on the coding strand, the complement: CACNA1A is on the minus strand). VCF-style: chr19-13452963-T-G. GRCh37 (hg19) VCF-style: chr19-13563777-T-G.
Other names: c.452A>C, p.Lys151Thr (NM_000068.4, NM_001127221.2, NM_001174080.2 and 1 more transcripts); short protein forms K151T.
Identifiers: ClinVar variation 4976360 (VCV004976360.1).